The following is an entry in ClinVar:

NM_000368.5(TSC1):c.1078A>C (p.Thr360Pro)

Gene: TSC1 (TSC complex subunit 1; minus strand). Cytogenetic location: 9q34.13.
Variant type: single nucleotide variant.
Coding change: c.1078A>C on transcript NM_000368.5 (MANE Select); coding-DNA position 1078, A replaced by C.
Protein change: p.Thr360Pro; replaces threonine 360 with proline.
Molecular consequence: missense variant.
Genome position (GRCh38, 1-based): chr9:132,911,065, T>G on the plus strand (A>C on the coding strand, the complement: TSC1 is on the minus strand). VCF-style: chr9-132911065-T-G. GRCh37 (hg19) VCF-style: chr9-135786452-T-G.
Other names: c.1078A>C, p.Thr360Pro (NM_001162426.2); c.925A>C, p.Thr309Pro (NM_001162427.2); c.715A>C, p.Thr239Pro (NM_001362177.2); short protein forms T309P, T360P, T239P.
Identifiers: ClinVar variation 818343 (VCV000818343.18), dbSNP rs201738258, ClinGen allele CA375367645.
Genomic context (GRCh38, chr9:132,911,065, plus strand): 5'-TTGTACCAAAGACTTTACTGTAAGGGTGTGACAGATCAGGTGGGACATTTCCAGGAGAAG[T>G]TGGAGGAGTGGTCATACCACAAACCATAGATGGGCTCCAAAGAGTAGCCTGGGAAGTTAA-3'
Protein context (NP_000359.1, residues 350-370): SMVCGMTTPP[Thr360Pro]SPGNVPPDLS

ClinVar aggregate classification (germline): Conflicting classifications of pathogenicity. Review status: criteria provided, conflicting classifications (1 of 4 stars). 4 submissions from 4 submitters: Uncertain significance (3); Likely benign (1). Last evaluated 2025-05-05.

Conditions:
Tuberous sclerosis 1 (TSC1). Identifiers: Orphanet 805, MedGen C1854465, MONDO:0008612, OMIM 191100.
Hereditary cancer-predisposing syndrome. Also called: Hereditary Cancer Syndrome; Neoplastic Syndromes, Hereditary; Hereditary neoplastic syndrome; Tumor predisposition. Identifiers: Orphanet 140162, MedGen C0027672, MeSH D009386, MONDO:0015356.
Tuberous sclerosis syndrome (TSC). Also called: Tuberous Sclerosis Complex; Tuberous sclerosis. Identifiers: Orphanet 805, MedGen C0041341, MONDO:0001734.

Allele frequency attached by ClinVar (database versions not stated): gnomAD 0.00001.
gnomAD v4.1: 2 of 1,614,030 alleles (0.00012%); highest among the groups gnomAD compares: African/African-American, 0.0027%; no homozygotes.

Submissions (4):

Labcorp Genetics (formerly Invitae), Labcorp
Classification: Likely benign for Tuberous sclerosis 1. Last evaluated: 2025-05-05. Review status: criteria provided, single submitter. Criteria: Invitae Variant Classification Sherloc (09022015). Collection method: clinical testing. Allele origin: germline.

Ambry Genetics
Classification: Uncertain significance for Hereditary cancer-predisposing syndrome. Last evaluated: 2024-05-31. Review status: criteria provided, single submitter. Criteria: Ambry Variant Classification Scheme 2023. Collection method: clinical testing. Allele origin: germline.
Comment: The p.T360P variant (also known as c.1078A>C), located in coding exon 9 of the TSC1 gene, results from an A to C substitution at nucleotide position 1078. The threonine at codon 360 is replaced by proline, an amino acid with highly similar properties. This amino acid position is highly conserved in available vertebrate species. In addition, the in silico prediction for this alteration is inconclusive. Since supporting evidence is limited at this time, the clinical significance of this alteration remains unclear.

All of Us Research Program, National Institutes of Health
Classification: Uncertain significance for Tuberous sclerosis syndrome. Last evaluated: 2024-05-14. Review status: criteria provided, single submitter. Criteria: ACMG Guidelines, 2015. Collection method: clinical testing. Allele origin: germline. Inheritance: Autosomal dominant inheritance. Observed: 1 variant allele, 1 heterozygote.
Comment: This missense variant replaces threonine with proline at codon 360 of the TSC1 protein. Computational prediction suggests that this variant may not impact protein structure and function (internally defined REVEL score threshold <= 0.5, PMID: 27666373). To our knowledge, functional studies have not been reported for this variant. This variant has not been reported in individuals affected with hereditary cancer in the literature. This variant has been identified in 1/31378 chromosomes in the general population by the Genome Aggregation Database (gnomAD). The available evidence is insufficient to determine the role of this variant in disease conclusively. Therefore, this variant is classified as a Variant of Uncertain Significance.

This study involves interpretation of variants in research participants for the purpose of population health screening. Participant phenotype was not available at the time of variant classification. Additional details can be found in publication PMID: 35346344, PMCID: PMC8962531

Genome-Nilou Lab
Classification: Uncertain significance for Tuberous sclerosis 1. Last evaluated: 2021-11-07. Review status: criteria provided, single submitter. Criteria: ACMG Guidelines, 2015. Collection method: clinical testing. Allele origin: germline. Affected: no.